The following is an entry in ClinVar:

NM_001394062.1(MACF1):c.2540C>G (p.Ser847Ter)

Gene: MACF1 (microtubule actin crosslinking factor 1; plus strand). Cytogenetic location: 1p34.3.
Variant type: single nucleotide variant.
Coding change: c.2540C>G on transcript NM_001394062.1 (MANE Select); coding-DNA position 2540, C replaced by G.
Protein change: p.Ser847Ter; replaces serine 847 with a stop codon.
Molecular consequence: nonsense.
Genome position (GRCh38, 1-based): chr1:39,300,268, C>G. VCF-style: chr1-39300268-C-G. GRCh37 (hg19) VCF-style: chr1-39765940-C-G.
Other names: c.2555C>G, p.Ser852Ter (NM_012090.5); short protein forms S852*, S847*.
Identifiers: ClinVar variation 438599 (VCV000438599.1), dbSNP rs1553231631, ClinGen allele CA339772268.

ClinVar aggregate classification (germline): Uncertain significance (1 of 4 stars; one submission).

Conditions:
Abnormal corpus callosum morphology. Also called: Abnormality of the corpus callosum; Corpus callosum abnormalities. Identifiers: MedGen C1842581, HP:0001273.

Submission:

Lupski Lab, Baylor-Hopkins CMG, Baylor College of Medicine
Classification: Uncertain significance for Abnormal corpus callosum morphology. Last evaluated: 2017-09-01. Review status: criteria provided, single submitter. Criteria: Wiszniewski et al. (Eur J Hum Genet. 2018). Collection method: research. Allele origin: inherited, unknown. Inheritance: Autosomal recessive inheritance. Affected: yes and no. Observed: 2 variant alleles.